The following is an entry in ClinVar:

ClinVar aggregate classification (germline): Uncertain significance (1 of 4 stars; one submission).

Conditions:
Epileptic encephalopathy. Identifiers: MedGen C0543888, HP:0200134.

Allele frequency attached by ClinVar (database versions not stated): gnomAD exomes below 0.00001; ExAC 0.00002.
gnomAD v4.1: 4 of 1,593,868 alleles (0.00025%); highest among the groups gnomAD compares: Non-Finnish European, 0.00034%; no homozygotes.

Submissions (2):

Labcorp Genetics (formerly Invitae), Labcorp
Classification: Uncertain significance for Epileptic encephalopathy. Last evaluated: 2020-01-06. Review status: criteria provided, single submitter. Criteria: Invitae Variant Classification Sherloc (09022015). Collection method: clinical testing. Allele origin: germline.
Comment: This sequence change replaces leucine with valine at codon 206 of the FASN protein (p.Leu206Val). The leucine residue is highly conserved and there is a small physicochemical difference between leucine and valine. In summary, the available evidence is currently insufficient to determine the role of this variant in disease. Therefore, it has been classified as a Variant of Uncertain Significance. Algorithms developed to predict the effect of sequence changes on RNA splicing suggest that this variant may create or strengthen a splice site, but this prediction has not been confirmed by published transcriptional studies. Algorithms developed to predict the effect of missense changes on protein structure and function are either unavailable or do not agree on the potential impact of this missense change (SIFT: "Deleterious"; PolyPhen-2: "Probably Damaging"; Align-GVGD: "Class C0"). This variant has not been reported in the literature in individuals with FASN-related conditions. This variant is present in population databases (rs761025190, ExAC 0.005%).

Dr. Peter K. Rogan Lab, Western University
No classification provided (evidence only). Condition: Hepatocellular carcinoma. Review status: no classification provided. Collection method: in vitro. Allele origin: not applicable. Functional consequence: retained intron. Not counted in ClinVar's aggregate classification.

NM_004104.5(FASN):c.616C>G (p.Leu206Val)

Gene: FASN (fatty acid synthase; minus strand). Cytogenetic location: 17q25.3.
Variant type: single nucleotide variant.
Coding change: c.616C>G on transcript NM_004104.5 (MANE Select); coding-DNA position 616, C replaced by G.
Protein change: p.Leu206Val; replaces leucine 206 with valine.
Molecular consequence: missense variant.
Genome position (GRCh38, 1-based): chr17:82,093,258, G>C on the plus strand (C>G on the coding strand, the complement: FASN is on the minus strand). VCF-style: chr17-82093258-G-C. GRCh37 (hg19) VCF-style: chr17-80051134-G-C.
Other names: short protein forms L206V.
Identifiers: ClinVar variation 1024525 (VCV001024525.9), dbSNP rs761025190, ClinGen allele CA8853475.